The following is an entry in ClinVar:

NM_001365276.2(TNXB):c.6989T>G (p.Phe2330Cys)

Gene: TNXB (tenascin XB; minus strand). Cytogenetic location: 6p21.33.
Variant type: single nucleotide variant.
Coding change: c.6989T>G on transcript NM_001365276.2 (MANE Select); coding-DNA position 6989, T replaced by G.
Protein change: p.Phe2330Cys; replaces phenylalanine 2330 with cysteine.
Molecular consequence: missense variant.
Genome position (GRCh38, 1-based): chr6:32,062,336, A>C on the plus strand (T>G on the coding strand, the complement: TNXB is on the minus strand). VCF-style: chr6-32062336-A-C. GRCh37 (hg19) VCF-style: chr6-32030113-A-C.
Other names: c.7730T>G, p.Phe2577Cys (NM_001428335.1); c.6989T>G, p.Phe2330Cys (NM_019105.8); short protein forms F2330C, F2577C.
Identifiers: ClinVar variation 3809331 (VCV003809331.1).
Genomic context (GRCh38, chr6:32,062,336, plus strand): 5'-GGCACCCGTGTTGCCTTGGGCTGCCCATCCCCATTCTTGTACTGGACCAGGAAGTGGTCA[A>C]ACTGTCCCTCGGGAACCGTCCAGGACAGGCTGAGGGAGTCAGGGGTCGCATCTGTCACGG-3'
Protein context (NP_001352205.1, residues 2320-2340): SLSWTVPEGQ[Phe2330Cys]DHFLVQYKNG

ClinVar aggregate classification (germline): Uncertain significance (1 of 4 stars; one submission).

Conditions:
Cardiovascular phenotype. Identifiers: MedGen CN230736.

gnomAD v4.1: 1 of 1,613,568 alleles (0.000062%); highest among the groups gnomAD compares: South Asian, 0.0011%; no homozygotes.

Submission:

Ambry Genetics
Classification: Uncertain significance for Cardiovascular phenotype. Last evaluated: 2025-01-13. Review status: criteria provided, single submitter. Criteria: Ambry Variant Classification Scheme 2023. Collection method: clinical testing. Allele origin: germline.
Comment: The p.F2330C variant (also known as c.6989T>G), located in coding exon 19 of the TNXB gene, results from a T to G substitution at nucleotide position 6989. The phenylalanine at codon 2330 is replaced by cysteine, an amino acid with highly dissimilar properties. This amino acid position is conserved. In addition, the in silico prediction for this alteration is inconclusive. Based on the available evidence, the clinical significance of this variant remains unclear.